The following is an entry in ClinVar:

ClinVar aggregate classification (germline): Pathogenic (1 of 4 stars; one submission).

Conditions:
Familial adenomatous polyposis 4 (FAP4). Also called: MSH3-related attenuated familial adenomatous polyposis. Identifiers: Orphanet 480536, MedGen C4310719, MONDO:0044300, OMIM 617100.

Submission:

Myriad Genetics, Inc.
Classification: Pathogenic for Familial adenomatous polyposis 4. Last evaluated: 2023-08-29. Review status: criteria provided, single submitter. Criteria: Myriad Autosomal Dominant, Autosomal Recessive and X-Linked Classification Criteria (2023). Collection method: clinical testing. Allele origin: unknown.
Comment: This variant is considered pathogenic. This variant creates a frameshift predicted to result in premature protein truncation.

NM_002439.5(MSH3):c.870dup (p.Phe291fs)

Gene: MSH3 (mutS homolog 3; plus strand). Cytogenetic location: 5q14.1.
Variant type: Duplication.
Coding change: c.870dup on transcript NM_002439.5 (MANE Select); coding-DNA position 870, one base duplicated (G; older notation c.870dupG).
Protein change: p.Phe291fs; shifts the reading frame from phenylalanine 291.
Molecular consequence: frameshift variant.
Genome position (GRCh38, 1-based): chr5:80,672,321, G duplicated. VCF-style (leftmost placement, unchanged base first): chr5-80672320-T-TG. GRCh37 (hg19) VCF-style: chr5-79968139-T-TG.
Other names: short protein forms F291fs.
Identifiers: ClinVar variation 2673569 (VCV002673569.1), dbSNP rs2546722440, ClinGen allele CA2695198649.